The following is an entry in ClinVar:

NM_001031689.3(PLAA):c.1389_1390delinsAT (p.Asn464Tyr)

Gene: PLAA (phospholipase A2 activating protein; minus strand). Cytogenetic location: 9p21.2.
Variant type: Indel.
Coding change: c.1389_1390delinsAT on transcript NM_001031689.3 (MANE Select); coding-DNA positions 1389 to 1390, GA replaced by AT.
Protein change: p.Asn464Tyr; replaces asparagine 464 with tyrosine.
Molecular consequence: missense variant.
Genome position (GRCh38, 1-based): chr9:26,919,337-26,919,338, TC replaced by AT on the plus strand (GA replaced by AT on the coding strand, the reverse complement: PLAA is on the minus strand). VCF-style: chr9-26919337-TC-AT. GRCh37 (hg19) VCF-style: chr9-26919335-TC-AT.
Other names: c.1389_1390delinsAT, p.Asn464Tyr (NM_001321546.2); short protein forms N464Y.
Identifiers: ClinVar variation 2094585 (VCV002094585.4), dbSNP rs2489186548, ClinGen allele CA2580080299.

ClinVar aggregate classification (germline): Uncertain significance (1 of 4 stars; one submission).

Submission:

Labcorp Genetics (formerly Invitae), Labcorp
Classification: Uncertain significance. Last evaluated: 2022-02-08. Review status: criteria provided, single submitter. Criteria: Invitae Variant Classification Sherloc (09022015). Collection method: clinical testing. Allele origin: germline.
Comment: In summary, the available evidence is currently insufficient to determine the role of this variant in disease. Therefore, it has been classified as a Variant of Uncertain Significance. Experimental studies and prediction algorithms are not available or were not evaluated, and the functional significance of this variant is currently unknown. This variant has not been reported in the literature in individuals affected with PLAA-related conditions. Information on the frequency of this variant in the gnomAD database is not available, as this variant may be reported differently in the database. This sequence change replaces asparagine, which is neutral and polar, with tyrosine, which is neutral and polar, at codon 464 of the PLAA protein (p.Asn464Tyr).